The following is an entry in ClinVar:

NM_000481.4(AMT):c.155T>C (p.Phe52Ser)

Gene: AMT (aminomethyltransferase; minus strand). Cytogenetic location: 3p21.31.
Variant type: single nucleotide variant.
Coding change: c.155T>C on transcript NM_000481.4 (MANE Select); coding-DNA position 155, T replaced by C.
Protein change: p.Phe52Ser; replaces phenylalanine 52 with serine.
Molecular consequence: missense variant. On other transcripts: non-coding transcript variant (1), intron variant (1).
Genome position (GRCh38, 1-based): chr3:49,422,207, A>G on the plus strand (T>C on the coding strand, the complement: AMT is on the minus strand). VCF-style: chr3-49422207-A-G. GRCh37 (hg19) VCF-style: chr3-49459640-A-G.
Other names: c.155T>C, p.Phe52Ser (NM_001164710.2, NM_001164712.2); c.90+154T>C (NM_001164711.2); short protein forms F52S.
Identifiers: ClinVar variation 1403771 (VCV001403771.8), dbSNP rs2107937639, ClinGen allele CA352791223.
Genomic context (GRCh38, chr3:49,422,207, plus strand): 5'-GTGTGCAGGTGCGAGTCAGTGTGACTGTCCCGGTACTGCACTGGCAGACTCCAACCCGCA[A>G]ACGCCACCATTTTCCCGCCGTGGGCCAGGTGGAAGTCATAGAGCGGTGTCCTGCGGAGCA-3'
Protein context (NP_000472.2, residues 42-62): HLAHGGKMVA[Phe52Ser]AGWSLPVQYR

ClinVar aggregate classification (germline): Uncertain significance (1 of 4 stars; one submission).

Conditions:
Glycine encephalopathy. Also called: Nonketotic hyperglycinemia; Non-ketotic hyperglycinemia. Identifiers: Orphanet 407, MedGen C0751748, MONDO:0011612, HP:0008288.

Submission:

Labcorp Genetics (formerly Invitae), Labcorp
Classification: Uncertain significance for Glycine encephalopathy. Last evaluated: 2023-04-05. Review status: criteria provided, single submitter. Criteria: Invitae Variant Classification Sherloc (09022015). Collection method: clinical testing. Allele origin: germline.
Comment: This variant has not been reported in the literature in individuals affected with AMT-related conditions. ClinVar contains an entry for this variant (Variation ID: 1403771). Advanced modeling of protein sequence and biophysical properties (such as structural, functional, and spatial information, amino acid conservation, physicochemical variation, residue mobility, and thermodynamic stability) has been performed at Invitae for this missense variant, however the output from this modeling did not meet the statistical confidence thresholds required to predict the impact of this variant on AMT protein function. In summary, the available evidence is currently insufficient to determine the role of this variant in disease. Therefore, it has been classified as a Variant of Uncertain Significance. This variant is not present in population databases (gnomAD no frequency). This sequence change replaces phenylalanine, which is neutral and non-polar, with serine, which is neutral and polar, at codon 52 of the AMT protein (p.Phe52Ser).